The following is an entry in ClinVar:

NM_001197104.2(KMT2A):c.4154A>G (p.Asn1385Ser)

Gene: KMT2A (lysine methyltransferase 2A; plus strand). Cytogenetic location: 11q23.3.
Variant type: single nucleotide variant.
Coding change: c.4154A>G on transcript NM_001197104.2 (MANE Select); coding-DNA position 4154, A replaced by G.
Protein change: p.Asn1385Ser; replaces asparagine 1385 with serine.
Molecular consequence: missense variant.
Genome position (GRCh38, 1-based): chr11:118,484,250, A>G. VCF-style: chr11-118484250-A-G. GRCh37 (hg19) VCF-style: chr11-118354965-A-G.
Other names: c.4253A>G, p.Asn1418Ser (NM_001412597.1); c.4154A>G, p.Asn1385Ser (NM_005933.4); short protein forms N1418S, N1385S.
Identifiers: ClinVar variation 1922214 (VCV001922214.6), dbSNP rs781973183, ClinGen allele CA6303798.

ClinVar aggregate classification (germline): Conflicting classifications of pathogenicity. Review status: criteria provided, conflicting classifications (1 of 4 stars). 2 submissions from 2 submitters: Uncertain significance (1); Likely benign (1). Last evaluated 2025-09-26.

Allele frequency attached by ClinVar (database versions not stated): gnomAD 0.00001; ExAC 0.00002; TOPMed 0.00002.
gnomAD v4.1: 27 of 1,614,046 alleles (0.0017%); highest among the groups gnomAD compares: Admixed American, 0.0083%; no homozygotes.

Submissions (2):

Labcorp Genetics (formerly Invitae), Labcorp
Classification: Uncertain significance. Last evaluated: 2025-09-26. Review status: criteria provided, single submitter. Criteria: Invitae Variant Classification Sherloc (09022015). Collection method: clinical testing. Allele origin: germline.
Comment: This sequence change replaces asparagine, which is neutral and polar, with serine, which is neutral and polar, at codon 1385 of the KMT2A protein (p.Asn1385Ser). This variant is present in population databases (rs781973183, gnomAD 0.006%). This variant has not been reported in the literature in individuals affected with KMT2A-related conditions. ClinVar contains an entry for this variant (Variation ID: 1922214). Invitae Evidence Modeling of protein sequence and biophysical properties (such as structural, functional, and spatial information, amino acid conservation, physicochemical variation, residue mobility, and thermodynamic stability) has been performed for this missense variant. However, the output from this modeling did not meet the statistical confidence thresholds required to predict the impact of this variant on KMT2A protein function. In summary, the available evidence is currently insufficient to determine the role of this variant in disease. Therefore, it has been classified as a Variant of Uncertain Significance.

Blueprint Genetics
Classification: Likely benign. Last evaluated: 2022-08-04. Review status: criteria provided, single submitter. Criteria: ACMG Guidelines, 2015. Collection method: clinical testing. Allele origin: germline.